The following is an entry in ClinVar:

NM_004562.3(PRKN):c.720G>A (p.Thr240=)

Gene: PRKN (parkin RBR E3 ubiquitin protein ligase; minus strand). Cytogenetic location: 6q26.
Variant type: single nucleotide variant.
Coding change: c.720G>A on transcript NM_004562.3 (MANE Select); coding-DNA position 720, G replaced by A.
Protein change: p.Thr240=; no amino-acid change (threonine 240 retained).
Molecular consequence: synonymous variant.
Genome position (GRCh38, 1-based): chr6:161,973,316, C>T on the plus strand (G>A on the coding strand, the complement: PRKN is on the minus strand). VCF-style: chr6-161973316-C-T. GRCh37 (hg19) VCF-style: chr6-162394348-C-T.
Other names: c.636G>A, p.Thr212= (NM_013987.3); c.273G>A, p.Thr91= (NM_013988.3).
Identifiers: ClinVar variation 1695174 (VCV001695174.31), dbSNP rs769882260, ClinGen allele CA4090264.

ClinVar aggregate classification (germline): Likely benign (1 of 4 stars; one submission).

Allele frequency attached by ClinVar (database versions not stated): TOPMed 0.00001; gnomAD 0.00002 and 0.00005; ExAC 0.00004; 1000 Genomes Project 30x 0.00016.
gnomAD v4.1: 30 of 1,610,296 alleles (0.0019%); highest among the groups gnomAD compares: South Asian, 0.012%; 1 homozygote.

Submission:

CeGaT Center for Human Genetics Tuebingen
Classification: Likely benign. Last evaluated: 2022-06-01. Review status: criteria provided, single submitter. Criteria: CeGaT Center For Human Genetics Tuebingen Variant Classification Criteria Version 2. Collection method: clinical testing. Allele origin: germline. Affected: yes. Observed: 1 variant allele.
Comment: PRKN: BP4, BP7